The following is an entry in ClinVar:

NM_194248.3(OTOF):c.1221C>T (p.Pro407=)

Gene: OTOF (otoferlin; minus strand). Cytogenetic location: 2p23.3.
Variant type: single nucleotide variant.
Coding change: c.1221C>T on transcript NM_194248.3 (MANE Select); coding-DNA position 1221, C replaced by T.
Protein change: p.Pro407=; no amino-acid change (proline 407 retained).
Molecular consequence: synonymous variant.
Genome position (GRCh38, 1-based): chr2:26,483,633, G>A on the plus strand (C>T on the coding strand, the complement: OTOF is on the minus strand). VCF-style: chr2-26483633-G-A. GRCh37 (hg19) VCF-style: chr2-26706501-G-A.
Other names: c.1221C>T, p.Pro407= (NM_001287489.2).
Identifiers: ClinVar variation 179217 (VCV000179217.7), dbSNP rs727504716, ClinGen allele CA183969.

ClinVar aggregate classification (germline): Likely benign. Review status: criteria provided, multiple submitters, no conflicts (2 of 4 stars). 2 submissions from 2 submitters: Likely benign (2). Last evaluated 2026-01-27.

Allele frequency attached by ClinVar (database versions not stated): gnomAD exomes 0.00001 and 0.00004; gnomAD 0.00003 and 0.00004; TOPMed 0.00005; ExAC 0.00005.
gnomAD v4.1: 18 of 1,612,214 alleles (0.0011%); highest among the groups gnomAD compares: Admixed American, 0.023%; no homozygotes.

Submissions (2):

Labcorp Genetics (formerly Invitae), Labcorp
Classification: Likely benign. Last evaluated: 2026-01-27. Review status: criteria provided, single submitter. Criteria: Invitae Variant Classification Sherloc (09022015). Collection method: clinical testing. Allele origin: germline.

Laboratory for Molecular Medicine, Mass General Brigham Personalized Medicine
Classification: Likely benign. Last evaluated: 2013-09-03. Review status: criteria provided, single submitter. Criteria: LMM Criteria. Collection method: clinical testing. Allele origin: germline. Observed: 1 variant allele.
Comment: Pro407Pro in exon 13 of OTOF: This variant is not expected to have clinical sign ificance because it does not alter an amino acid residue and is not located with in the splice consensus sequence.